The following is an entry in ClinVar:

ClinVar aggregate classification (germline): Likely pathogenic (1 of 4 stars; one submission).

Submission:

Dasa
Classification: Likely pathogenic. Last evaluated: 2026-04-05. Review status: criteria provided, single submitter. Criteria: DASA Assertion Criteria. Collection method: clinical testing. Allele origin: germline.
Comment: NM_000278.5(PAX2):c.112_145del (p.Arg38Cysfs*34) is a frameshift variant in PAX2 predicted to alter the reading frame and introduce a premature termination codon and is predicted to result in an absent or altered protein product. Loss of function is an established disease mechanism for PAX2 (PMID: 21285886; PMID: 11241473; PMID: 22213154). Also, this variant is absent from population databases. Based on the currently available evidence, this variant is classified as likely pathogenic.

Literature cited by the submitters: PubMed 21285886; PubMed 11241473; PubMed 22213154.

NM_000278.5(PAX2):c.112_145del (p.Arg38fs)

Gene: PAX2 (paired box 2; plus strand). Cytogenetic location: 10q24.31.
Variant type: Deletion.
Coding change: c.112_145del on transcript NM_000278.5 (MANE Select); coding-DNA positions 112 to 145, 34 bases deleted.
Protein change: p.Arg38fs; shifts the reading frame from arginine 38.
Molecular consequence: frameshift variant.
Genome position (GRCh38, 1-based): chr10:100,749,814-100,749,847, 34 bases deleted; deleting any 34 consecutive bases within chr10:100,749,810-100,749,847 gives the same sequence; the c. name uses the placement nearest the transcript's 3' end. GRCh37 (hg19): chr10:102,509,571-102,509,604.
Other names: c.205_238del, p.Arg69fs (NM_001304569.2); c.112_145del, p.Arg38fs (NM_003987.5, NM_003988.5, NM_003989.5 and 1 more transcripts); short protein forms R38fs, R69fs.
Identifiers: ClinVar variation 4880824 (VCV004880824.2).